The following is an entry in ClinVar:

ClinVar aggregate classification (germline): Uncertain significance (1 of 4 stars; one submission).

Conditions:
Hereditary nonpolyposis colorectal neoplasms. Identifiers: MedGen C0009405, MeSH D003123.

Submission:

Labcorp Genetics (formerly Invitae), Labcorp
Classification: Uncertain significance for Hereditary nonpolyposis colorectal neoplasms. Last evaluated: 2022-09-15. Review status: criteria provided, single submitter. Criteria: Invitae Variant Classification Sherloc (09022015). Collection method: clinical testing. Allele origin: germline.
Comment: This sequence change replaces valine, which is neutral and non-polar, with leucine, which is neutral and non-polar, at codon 1271 of the MSH6 protein (p.Val1271Leu). This variant is not present in population databases (gnomAD no frequency). This variant has not been reported in the literature in individuals affected with MSH6-related conditions. Advanced modeling of protein sequence and biophysical properties (such as structural, functional, and spatial information, amino acid conservation, physicochemical variation, residue mobility, and thermodynamic stability) performed at Invitae indicates that this missense variant is not expected to disrupt MSH6 protein function. In summary, the available evidence is currently insufficient to determine the role of this variant in disease. Therefore, it has been classified as a Variant of Uncertain Significance.

NM_000179.3(MSH6):c.3811G>T (p.Val1271Leu)

Gene: MSH6 (mutS homolog 6; plus strand). Cytogenetic location: 2p16.3.
Variant type: single nucleotide variant.
Coding change: c.3811G>T on transcript NM_000179.3 (MANE Select); coding-DNA position 3811, G replaced by T.
Protein change: p.Val1271Leu; replaces valine 1271 with leucine.
Molecular consequence: missense variant.
Genome position (GRCh38, 1-based): chr2:47,806,461, G>T. VCF-style: chr2-47806461-G-T. GRCh37 (hg19) VCF-style: chr2-48033600-G-T.
Other names: c.3421G>T, p.Val1141Leu (NM_001281492.2); c.2905G>T, p.Val969Leu (NM_001281493.2, NM_001281494.2, NM_001406812.1 and 6 more transcripts); c.3907G>T, p.Val1303Leu (NM_001406795.1); c.3811G>T, p.Val1271Leu (NM_001406796.1, NM_001406808.1, NM_001406809.1); c.3514G>T, p.Val1172Leu (NM_001406797.1, NM_001406818.1, NM_001406819.1 and 10 more transcripts); c.3637G>T, p.Val1213Leu (NM_001406798.1); c.3817G>T, p.Val1273Leu (NM_001406813.1); c.2245G>T, p.Val749Leu (NM_001406817.1); and 7 more; short protein forms V1096L, V1141L, V1172L, V1213L, V1215L, V1245L, V1271L, V1273L.
Identifiers: ClinVar variation 1719480 (VCV001719480.6), dbSNP rs770929545, ClinGen allele CA346761229.